The following is an entry in ClinVar:

ClinVar aggregate classification (germline): Uncertain significance (1 of 4 stars; one submission).

Conditions:
GNE myopathy (NM). Also called: NONAKA DISTAL MYOPATHY; MYOPATHY, DISTAL, WITH OR WITHOUT RIMMED VACUOLES; INCLUSION BODY MYOPATHY, HEREDITARY, AUTOSOMAL RECESSIVE; INCLUSION BODY MYOPATHY 2, AUTOSOMAL RECESSIVE; IBM 2; Inclusion body myopathy autosomal recessive. Identifiers: Orphanet 602, MedGen C1853926, MONDO:0011603, OMIM 605820.
Sialuria. Also called: SIALURIA, FRENCH TYPE; Sialic Acid Storage Disease. Identifiers: Orphanet 3166, MedGen C0342853, MONDO:0010028, OMIM 269921.

Allele frequency attached by ClinVar (database versions not stated): gnomAD exomes below 0.00001.
gnomAD v4.1: 1 of 1,613,478 alleles (0.000062%); highest among the groups gnomAD compares: Non-Finnish European, 0.000085%; no homozygotes.

Submission:

Labcorp Genetics (formerly Invitae), Labcorp
Classification: Uncertain significance for Sialuria; GNE myopathy. Last evaluated: 2023-02-09. Review status: criteria provided, single submitter. Criteria: Invitae Variant Classification Sherloc (09022015). Collection method: clinical testing. Allele origin: germline.
Comment: This sequence change replaces leucine, which is neutral and non-polar, with valine, which is neutral and non-polar, at codon 494 of the GNE protein (p.Leu494Val). This variant is not present in population databases (gnomAD no frequency). This variant has not been reported in the literature in individuals affected with GNE-related conditions. Advanced modeling of protein sequence and biophysical properties (such as structural, functional, and spatial information, amino acid conservation, physicochemical variation, residue mobility, and thermodynamic stability) has been performed at Invitae for this missense variant, however the output from this modeling did not meet the statistical confidence thresholds required to predict the impact of this variant on GNE protein function. In summary, the available evidence is currently insufficient to determine the role of this variant in disease. Therefore, it has been classified as a Variant of Uncertain Significance.

NM_005476.7(GNE):c.1387C>G (p.Leu463Val)

Gene: GNE (glucosamine (UDP-N-acetyl)-2-epimerase/N-acetylmannosamine kinase; minus strand). Cytogenetic location: 9p13.3.
Variant type: single nucleotide variant.
Coding change: c.1387C>G on transcript NM_005476.7 (MANE Select); coding-DNA position 1387, C replaced by G.
Protein change: p.Leu463Val; replaces leucine 463 with valine.
Molecular consequence: missense variant.
Genome position (GRCh38, 1-based): chr9:36,223,397, G>C on the plus strand (C>G on the coding strand, the complement: GNE is on the minus strand). VCF-style: chr9-36223397-G-C. GRCh37 (hg19) VCF-style: chr9-36223394-G-C.
Other names: c.1480C>G, p.Leu494Val (NM_001128227.3); c.1387C>G, p.Leu463Val (NM_001190383.3); c.1057C>G, p.Leu353Val (NM_001190384.3); c.1210C>G, p.Leu404Val (NM_001190388.2, NM_001374798.1); c.1234C>G, p.Leu412Val (NM_001374797.1); short protein forms L353V, L463V, L494V, L404V, L412V.
Identifiers: ClinVar variation 2925218 (VCV002925218.3), dbSNP rs2489630735, ClinGen allele CA373427175.